The following is an entry in ClinVar:

NM_020774.4(MIB1):c.1372-10A>G

Gene: MIB1 (MIB E3 ubiquitin protein ligase 1; plus strand). Cytogenetic location: 18q11.2.
Variant type: single nucleotide variant.
Coding change: c.1372-10A>G on transcript NM_020774.4 (MANE Select); 10 bases into the intron before coding-DNA position 1372, A replaced by G.
Molecular consequence: intron variant.
Genome position (GRCh38, 1-based): chr18:21,803,897, A>G. VCF-style: chr18-21803897-A-G. GRCh37 (hg19) VCF-style: chr18-19383858-A-G.
Identifiers: ClinVar variation 2661960 (VCV002661960.1), dbSNP rs2510739493, ClinGen allele CA2641216234.

ClinVar aggregate classification (germline): Uncertain significance (1 of 4 stars; one submission).

Submission:

GeneDx
Classification: Uncertain significance. Last evaluated: 2023-05-02. Review status: criteria provided, single submitter. Criteria: GeneDx Variant Classification Process June 2021. Collection method: clinical testing. Allele origin: germline. Affected: yes.
Comment: Has not been previously published as pathogenic or benign to our knowledge; Not observed at significant frequency in large population cohorts (gnomAD); In silico analysis supports a deleterious effect on splicing